The following is an entry in ClinVar:

ClinVar aggregate classification (germline): Uncertain significance (1 of 4 stars; one submission).

Allele frequency attached by ClinVar (database versions not stated): gnomAD 0.00005; TOPMed 0.00007; ExAC 0.00027.

Submission:

Labcorp Genetics (formerly Invitae), Labcorp
Classification: Uncertain significance. Last evaluated: 2023-09-17. Review status: criteria provided, single submitter. Criteria: Invitae Variant Classification Sherloc (09022015). Collection method: clinical testing. Allele origin: germline.
Comment: In summary, the available evidence is currently insufficient to determine the role of this variant in disease. Therefore, it has been classified as a Variant of Uncertain Significance. Advanced modeling of protein sequence and biophysical properties (such as structural, functional, and spatial information, amino acid conservation, physicochemical variation, residue mobility, and thermodynamic stability) performed at Invitae indicates that this missense variant is not expected to disrupt WNK4 protein function. This variant has not been reported in the literature in individuals affected with WNK4-related conditions. The frequency data for this variant in the population databases is considered unreliable, as metrics indicate poor data quality at this position in the gnomAD database. This sequence change replaces methionine, which is neutral and non-polar, with valine, which is neutral and non-polar, at codon 13 of the WNK4 protein (p.Met13Val).

NM_032387.5(WNK4):c.37A>G (p.Met13Val)

Gene: WNK4 (WNK lysine deficient protein kinase 4; plus strand). Cytogenetic location: 17q21.2.
Variant type: single nucleotide variant.
Coding change: c.37A>G on transcript NM_032387.5 (MANE Select); coding-DNA position 37, A replaced by G.
Protein change: p.Met13Val; replaces methionine 13 with valine.
Molecular consequence: missense variant. On other transcripts: 5 prime UTR variant (1).
Genome position (GRCh38, 1-based): chr17:42,780,735, A>G. VCF-style: chr17-42780735-A-G. GRCh37 (hg19) VCF-style: chr17-40932753-A-G.
Other names: c.-883A>G (NM_001321299.2); short protein forms M13V.
Identifiers: ClinVar variation 2970566 (VCV002970566.3), dbSNP rs760446306, ClinGen allele CA8583593.